The following is an entry in ClinVar:

ClinVar aggregate classification (germline): Uncertain significance (1 of 4 stars; one submission).

Allele frequency attached by ClinVar (database versions not stated): TOPMed 0.00001; ExAC 0.00002; gnomAD 0.00002; gnomAD exomes 0.00003.
gnomAD v4.1: 46 of 1,613,914 alleles (0.0029%); highest among the groups gnomAD compares: Admixed American, 0.0067%; no homozygotes.

Submission:

Labcorp Genetics (formerly Invitae), Labcorp
Classification: Uncertain significance. Last evaluated: 2022-07-09. Review status: criteria provided, single submitter. Criteria: Invitae Variant Classification Sherloc (09022015). Collection method: clinical testing. Allele origin: germline.
Comment: This sequence change replaces arginine, which is basic and polar, with glutamine, which is neutral and polar, at codon 847 of the MYO5B protein (p.Arg847Gln). This variant is present in population databases (rs772474014, gnomAD 0.006%). This variant has not been reported in the literature in individuals affected with MYO5B-related conditions. Algorithms developed to predict the effect of missense changes on protein structure and function are either unavailable or do not agree on the potential impact of this missense change (SIFT: "Deleterious"; PolyPhen-2: "Benign"; Align-GVGD: "Class C0"). In summary, the available evidence is currently insufficient to determine the role of this variant in disease. Therefore, it has been classified as a Variant of Uncertain Significance.

NM_001080467.3(MYO5B):c.2540G>A (p.Arg847Gln)

Gene: MYO5B (myosin VB; minus strand). Cytogenetic location: 18q21.1.
Variant type: single nucleotide variant.
Coding change: c.2540G>A on transcript NM_001080467.3 (MANE Select); coding-DNA position 2540, G replaced by A.
Protein change: p.Arg847Gln; replaces arginine 847 with glutamine.
Molecular consequence: missense variant.
Genome position (GRCh38, 1-based): chr18:49,904,703, C>T on the plus strand (G>A on the coding strand, the complement: MYO5B is on the minus strand). VCF-style: chr18-49904703-C-T. GRCh37 (hg19) VCF-style: chr18-47431073-C-T.
Other names: short protein forms R847Q.
Identifiers: ClinVar variation 1990228 (VCV001990228.1), dbSNP rs772474014, ClinGen allele CA8961042.